The following is an entry in ClinVar:

ClinVar aggregate classification (germline): Uncertain significance (1 of 4 stars; one submission).

Conditions:
Hereditary cancer-predisposing syndrome. Also called: Tumor predisposition; Neoplastic Syndromes, Hereditary; Hereditary neoplastic syndrome; Hereditary Cancer Syndrome. Identifiers: Orphanet 140162, MedGen C0027672, MeSH D009386, MONDO:0015356.

Submission:

Ambry Genetics
Classification: Uncertain significance for Hereditary cancer-predisposing syndrome. Last evaluated: 2025-05-15. Review status: criteria provided, single submitter. Criteria: Ambry Variant Classification Scheme 2023. Collection method: clinical testing. Allele origin: germline.
Comment: The c.932-10C>A intronic variant results from a C to A substitution 10 nucleotides upstream from coding exon 11 in the BAP1 gene. This nucleotide position is well conserved in available vertebrate species. In silico splice site analysis for this alteration is inconclusive. RNA studies have demonstrated that this alteration results in a splice defect; the clinical impact of this abnormal splicing is unknown at this time (Ambry internal data). Based on the available evidence, the clinical significance of this variant remains unclear.

NM_004656.4(BAP1):c.932-10C>A

Gene: BAP1 (BRCA1 associated deubiquitinase 1; minus strand). Cytogenetic location: 3p21.1.
Variant type: single nucleotide variant.
Coding change: c.932-10C>A on transcript NM_004656.4 (MANE Select); 10 bases into the intron before coding-DNA position 932, C replaced by A.
Molecular consequence: intron variant.
Genome position (GRCh38, 1-based): chr3:52,405,304, G>T on the plus strand (C>A on the coding strand, the complement: BAP1 is on the minus strand). VCF-style: chr3-52405304-G-T. GRCh37 (hg19) VCF-style: chr3-52439320-G-T.
Other names: c.878-10C>A (NM_001410772.1).
Identifiers: ClinVar variation 3477502 (VCV003477502.2).